The following is an entry in ClinVar:

NM_000297.4(PKD2):c.2435_2436del (p.Asp811_Ser812insTer)

Gene: PKD2 (polycystin 2, transient receptor potential cation channel; plus strand). Cytogenetic location: 4q22.1.
Variant type: Microsatellite.
Coding change: c.2435_2436del on transcript NM_000297.4 (MANE Select); coding-DNA positions 2435 to 2436, 2 bases deleted (CT; older notation c.2435_2436delCT).
Protein change: p.Asp811_Ser812insTer.
Molecular consequence: nonsense. On other transcripts: non-coding transcript variant (1).
Genome position (GRCh38, 1-based): chr4:88,067,974-88,067,975, CT deleted; deleting any 2 consecutive bases within chr4:88,067,972-88,067,975 gives the same sequence; the c. name uses the placement nearest the transcript's 3' end. VCF-style (leftmost placement, unchanged base first): chr4-88067971-ACT-A. GRCh37 (hg19) VCF-style: chr4-88989123-ACT-A.
Identifiers: ClinVar variation 2630962 (VCV002630962.2), dbSNP rs1313255190, ClinGen allele CA553085991.
Genomic context (GRCh38, chr4:88,067,971, plus strand): 5'-TGGATCACAGTTCTTTACCACGTCCCATGAGCAGCCGAAGTTTCCCTCGAAGCCTGGATG[ACT>A]CTGAGGAGGATGACGATGAAGATAGCGGACATAGCTCCAGAAGGAGGGGAAGCATTTCTA-3'

ClinVar aggregate classification (germline): Pathogenic. Review status: criteria provided, multiple submitters, no conflicts (2 of 4 stars). 2 submissions from 2 submitters: Pathogenic (2). Last evaluated 2023-09-18.

Conditions:
Polycystic kidney disease 2 (PKD2). Also called: Polycystic Kidney Disease 2, Autosomal Dominant; POLYCYSTIC KIDNEY DISEASE, ADULT, TYPE II; POLYCYSTIC KIDNEY DISEASE 2 WITH OR WITHOUT POLYCYSTIC LIVER DISEASE. Identifiers: MedGen C2751306, MONDO:0013131, OMIM 613095.
PKD2-related disorder. Also called: PKD2-related condition.

Submissions (2):

PreventionGenetics, part of Exact Sciences
Classification: Pathogenic for PKD2-related condition. Last evaluated: 2023-09-18. Review status: criteria provided, single submitter. Criteria: ACMG Guidelines, 2015. Collection method: clinical testing. Allele origin: germline.
Comment: The PKD2 c.2435_2436delCT variant is predicted to result in premature protein termination (p.Ser812*). This variant was reported in an individual with autosomal dominant polycystic kidney disease (ADPKD) (Hwang et al. 2016. PubMed ID: 26453610, Table S5). This variant is reported in 0.00088% of alleles in individuals of European (Non-Finnish) descent in gnomAD. Nonsense variants in PKD2 are expected to be pathogenic. This variant is interpreted as pathogenic.

Clinical Genetics Service, Universitary Hospital 12 de Octubre
Classification: Pathogenic for Polycystic kidney disease 2. Review status: criteria provided, single submitter. Criteria: ACMG Guidelines, 2015. Collection method: clinical testing. Allele origin: germline. Affected: yes.